The following is an entry in ClinVar:

ClinVar aggregate classification (germline): Conflicting classifications of pathogenicity. Review status: criteria provided, conflicting classifications (1 of 4 stars). 4 submissions from 4 submitters: Uncertain significance (1); Likely benign (2). 1 of the submissions does not count toward it. Last evaluated 2025-06-27.

Conditions:
YARS2-related disorder. Also called: YARS2-related condition.

Allele frequency attached by ClinVar (database versions not stated): ExAC 0.00006; gnomAD 0.00008; TOPMed 0.00010; gnomAD exomes 0.00019; ESP Exome Variant Server 0.00023.

Submissions (4):

Labcorp Genetics (formerly Invitae), Labcorp
Classification: Likely benign. Last evaluated: 2025-06-27. Review status: criteria provided, single submitter. Criteria: Invitae Variant Classification Sherloc (09022015). Collection method: clinical testing. Allele origin: germline.

Blueprint Genetics
Classification: Likely benign. Last evaluated: 2024-10-29. Review status: criteria provided, single submitter. Criteria: ACMG Guidelines, 2015. Collection method: clinical testing. Allele origin: germline.

GeneDx
Classification: Uncertain significance. Last evaluated: 2023-05-30. Review status: criteria provided, single submitter. Criteria: GeneDx Variant Classification Process June 2021. Collection method: clinical testing. Allele origin: germline. Affected: yes.
Comment: Not observed at significant frequency in large population cohorts (gnomAD); In silico analysis supports that this variant does not alter splicing; Has not been previously published as pathogenic or benign to our knowledge

PreventionGenetics, part of Exact Sciences
Classification: Likely benign for YARS2-related condition. Last evaluated: 2021-10-25. Review status: no assertion criteria provided. Collection method: clinical testing. Allele origin: germline. Not counted in ClinVar's aggregate classification.
Comment: This variant is classified as likely benign based on ACMG/AMP sequence variant interpretation guidelines (Richards et al. 2015 PMID: 25741868, with internal and published modifications).

NM_001040436.3(YARS2):c.582C>T (p.Arg194=)

Gene: YARS2 (tyrosyl-tRNA synthetase 2; minus strand). Cytogenetic location: 12p11.21.
Variant type: single nucleotide variant.
Coding change: c.582C>T on transcript NM_001040436.3 (MANE Select); coding-DNA position 582, C replaced by T.
Protein change: p.Arg194=; no amino-acid change (arginine 194 retained).
Molecular consequence: synonymous variant.
Genome position (GRCh38, 1-based): chr12:32,755,293, G>A on the plus strand (C>T on the coding strand, the complement: YARS2 is on the minus strand). VCF-style: chr12-32755293-G-A. GRCh37 (hg19) VCF-style: chr12-32908227-G-A.
Other names: c.582C>T (NM_001040436.2).
Identifiers: ClinVar variation 2196419 (VCV002196419.8), dbSNP rs148921993, ClinGen allele CA6508148.
Genomic context (GRCh38, chr12:32,755,293, plus strand): 5'-CATGCCCTCGGGGCTCTTGAGCCGCAGCTGCACGCTCTGCCGGCTCAGCAGCGTCCCCAT[G>A]CGGAAGTGACCCCCCACTGCCGCCAGGAAGTCCACCAGGTGCTGCTTCTGGTACCAGGCC-3'
Protein context (NP_001035526.1, residues 184-204): DFLAAVGGHF[Arg194=]MGTLLSRQSV